The following is an entry in ClinVar:

NM_006206.6(PDGFRA):c.2372C>T (p.Thr791Ile)

Gene: PDGFRA (platelet derived growth factor receptor alpha; plus strand). Cytogenetic location: 4q12.
Variant type: single nucleotide variant.
Coding change: c.2372C>T on transcript NM_006206.6 (MANE Select); coding-DNA position 2372, C replaced by T.
Protein change: p.Thr791Ile; replaces threonine 791 with isoleucine.
Molecular consequence: missense variant.
Genome position (GRCh38, 1-based): chr4:54,285,419, C>T. VCF-style: chr4-54285419-C-T. GRCh37 (hg19) VCF-style: chr4-55151586-C-T.
Other names: c.2447C>T, p.Thr816Ile (NM_001347828.2); c.2372C>T, p.Thr791Ile (NM_001347829.2); c.2411C>T, p.Thr804Ile (NM_001347830.2); short protein forms T804I, T791I, T816I.
Identifiers: ClinVar variation 2701421 (VCV002701421.3), dbSNP rs1724302715, ClinGen allele CA356894682.

ClinVar aggregate classification (germline): Uncertain significance (1 of 4 stars; one submission).

Conditions:
Gastrointestinal stromal tumor. Also called: Gastrointestinal stromal tumor, somatic; Gastrointestinal stroma tumor. Identifiers: Orphanet 44890, MedGen C0238198, MeSH D046152, MONDO:0011719, OMIM 606764, HP:0100723.

Submission:

Labcorp Genetics (formerly Invitae), Labcorp
Classification: Uncertain significance for Gastrointestinal stromal tumor. Last evaluated: 2023-12-08. Review status: criteria provided, single submitter. Criteria: Invitae Variant Classification Sherloc (09022015). Collection method: clinical testing. Allele origin: germline.
Comment: This sequence change replaces threonine, which is neutral and polar, with isoleucine, which is neutral and non-polar, at codon 791 of the PDGFRA protein (p.Thr791Ile). This variant is not present in population databases (gnomAD no frequency). This variant has not been reported in the literature in individuals affected with PDGFRA-related conditions. Advanced modeling of protein sequence and biophysical properties (such as structural, functional, and spatial information, amino acid conservation, physicochemical variation, residue mobility, and thermodynamic stability) performed at Invitae indicates that this missense variant is not expected to disrupt PDGFRA protein function with a negative predictive value of 80%. In summary, the available evidence is currently insufficient to determine the role of this variant in disease. Therefore, it has been classified as a Variant of Uncertain Significance.